The following is an entry in ClinVar:

ClinVar aggregate classification (germline): Uncertain significance (1 of 4 stars; one submission).

Conditions:
Hereditary cancer-predisposing syndrome. Also called: Neoplastic Syndromes, Hereditary; Tumor predisposition; Hereditary Cancer Syndrome; Hereditary neoplastic syndrome. Identifiers: Orphanet 140162, MedGen C0027672, MeSH D009386, MONDO:0015356.

gnomAD v4.1: 1 of 1,612,284 alleles (0.000062%); highest among the groups gnomAD compares: Non-Finnish European, 0.000085%; no homozygotes.

Submission:

Ambry Genetics
Classification: Uncertain significance for Hereditary cancer-predisposing syndrome. Last evaluated: 2025-12-29. Review status: criteria provided, single submitter. Criteria: Ambry Variant Classification Scheme 2023. Collection method: clinical testing. Allele origin: germline.
Comment: The p.R1475C variant (also known as c.4423C>T), located in coding exon 30 of the SMARCA4 gene, results from a C to T substitution at nucleotide position 4423. The arginine at codon 1475 is replaced by cysteine, an amino acid with highly dissimilar properties. This amino acid position is conserved. In addition, the in silico prediction for this alteration is inconclusive. Based on the available evidence, the clinical significance of this variant remains unclear.

NM_003072.5(SMARCA4):c.4327C>T (p.Arg1443Cys)

Gene: SMARCA4 (SWI/SNF related BAF chromatin remodeling complex subunit ATPase 4; plus strand). Cytogenetic location: 19p13.2.
Variant type: single nucleotide variant.
Coding change: c.4327C>T on transcript NM_003072.5 (MANE Select); coding-DNA position 4327, C replaced by T.
Protein change: p.Arg1443Cys; replaces arginine 1443 with cysteine.
Molecular consequence: missense variant. On other transcripts: non-coding transcript variant (1).
Genome position (GRCh38, 1-based): chr19:11,041,463, C>T. VCF-style: chr19-11041463-C-T. GRCh37 (hg19) VCF-style: chr19-11152139-C-T.
Other names: c.4327C>T, p.Arg1443Cys (NM_001128844.3); c.4237C>T, p.Arg1413Cys (NM_001128845.2, NM_001128846.2); c.4228C>T, p.Arg1410Cys (NM_001128847.4, NM_001128848.2, NM_001374457.1); c.4423C>T, p.Arg1475Cys (NM_001128849.3, NM_001387283.1); c.4324C>T, p.Arg1442Cys (NM_001411150.1); short protein forms R1410C, R1442C, R1475C, R1443C, R1413C.
Identifiers: ClinVar variation 4843570 (VCV004843570.1).
Genomic context (GRCh38, chr19:11,041,463, plus strand): 5'-ACCCCGACCACCAGCACCCGCAGCCGCGACAAGGACGACGAGAGCAAGAAGCAGAAGAAG[C>T]GCGGGCGGCCGCCTGCCGAGAAACTCTCCCCTAACCCACCCAACCTCACCAAGAAGATGA-3'
Protein context (NP_003063.2, residues 1433-1453): KDDESKKQKK[Arg1443Cys]GRPPAEKLSP